The following is an entry in ClinVar:

ClinVar aggregate classification (germline): Uncertain significance (1 of 4 stars; one submission).

Conditions:
Chilton-Okur-Chung neurodevelopmental syndrome (CHOCNS). Identifiers: MedGen C5677022, MONDO:0859239, OMIM 619841.

Submission:

Neuberg Centre For Genomic Medicine, NCGM
Classification: Uncertain significance for Chilton-Okur-Chung neurodevelopmental syndrome. Review status: criteria provided, single submitter. Criteria: ACMG Guidelines, 2015. Collection method: clinical testing. Allele origin: germline. Inheritance: Autosomal dominant inheritance. Affected: yes.
Comment: The observed missense c.169G>A(p.Glu57Lys) variant in CDC42BPB gene has not been reported previously as a pathogenic variant nor a benign variant, to our knowledge. The p.Glu57Lys variant is absent in gnomAD Exomes. This variant has not been submitted to the ClinVar database. The amino acid change p.Glu57Lys in CDC42BPB is predicted as conserved by GERP++ and PhyloP across 100 vertebrates. The amino acid Glu at position 57 is changed to a Lys changing protein sequence and it might alter its composition and physico-chemical properties. Computational evidence (Polyphen - Benign, SIFT - Tolerated and MutationTaster - Disease causing) predicts conflicting evidence on protein structure and function for this variant. For these reasons, this variant has been classified as a Variant of Uncertain Significance (VUS).

NM_006035.4(CDC42BPB):c.169G>A (p.Glu57Lys)

Gene: CDC42BPB (CDC42 binding protein kinase beta; minus strand). Cytogenetic location: 14q32.32.
Variant type: single nucleotide variant.
Coding change: c.169G>A on transcript NM_006035.4 (MANE Select); coding-DNA position 169, G replaced by A.
Protein change: p.Glu57Lys; replaces glutamic acid 57 with lysine.
Molecular consequence: missense variant.
Genome position (GRCh38, 1-based): chr14:103,057,005, C>T on the plus strand (G>A on the coding strand, the complement: CDC42BPB is on the minus strand). VCF-style: chr14-103057005-C-T. GRCh37 (hg19) VCF-style: chr14-103523342-C-T.
Other names: c.169G>A, p.Glu57Lys (NM_001411054.1); short protein forms E57K.
Identifiers: ClinVar variation 3242161 (VCV003242161.1), dbSNP rs769301150.